The following is an entry in ClinVar:

NM_032608.7(MYO18B):c.2853C>G (p.Asn951Lys)

Gene: MYO18B (myosin XVIIIB; plus strand). Cytogenetic location: 22q12.1.
Variant type: single nucleotide variant.
Coding change: c.2853C>G on transcript NM_032608.7 (MANE Select); coding-DNA position 2853, C replaced by G.
Protein change: p.Asn951Lys; replaces asparagine 951 with lysine.
Molecular consequence: missense variant.
Genome position (GRCh38, 1-based): chr22:25,828,842, C>G. VCF-style: chr22-25828842-C-G. GRCh37 (hg19) VCF-style: chr22-26224809-C-G.
Other names: c.2853C>G, p.Asn951Lys (NM_001318245.2); short protein forms N951K.
Identifiers: ClinVar variation 1448123 (VCV001448123.6), dbSNP rs769985379, ClinGen allele CA411000343.

ClinVar aggregate classification (germline): Uncertain significance (1 of 4 stars; one submission).

Submission:

Labcorp Genetics (formerly Invitae), Labcorp
Classification: Uncertain significance. Last evaluated: 2021-11-08. Review status: criteria provided, single submitter. Criteria: Invitae Variant Classification Sherloc (09022015). Collection method: clinical testing. Allele origin: germline.
Comment: This sequence change replaces asparagine, which is neutral and polar, with lysine, which is basic and polar, at codon 951 of the MYO18B protein (p.Asn951Lys). This variant is not present in population databases (gnomAD no frequency). This variant has not been reported in the literature in individuals affected with MYO18B-related conditions. Algorithms developed to predict the effect of missense changes on protein structure and function are either unavailable or do not agree on the potential impact of this missense change (SIFT: "Not Available"; PolyPhen-2: "Probably Damaging"; Align-GVGD: "Not Available"). In summary, the available evidence is currently insufficient to determine the role of this variant in disease. Therefore, it has been classified as a Variant of Uncertain Significance.